The following is an entry in ClinVar:

ClinVar aggregate classification (germline): Uncertain significance. Review status: criteria provided, multiple submitters, no conflicts (2 of 4 stars). 2 submissions from 2 submitters: Uncertain significance (2). Last evaluated 2023-09-11.

Conditions:
Inborn genetic diseases. Identifiers: MedGen C0950123, MeSH D030342.

Allele frequency attached by ClinVar (database versions not stated): 1000 Genomes Project 0.00020; 1000 Genomes Project 30x 0.00031; ESP Exome Variant Server 0.00046.

Submissions (2):

Labcorp Genetics (formerly Invitae), Labcorp
Classification: Uncertain significance. Last evaluated: 2023-09-11. Review status: criteria provided, single submitter. Criteria: Invitae Variant Classification Sherloc (09022015). Collection method: clinical testing. Allele origin: germline.
Comment: In summary, the available evidence is currently insufficient to determine the role of this variant in disease. Therefore, it has been classified as a Variant of Uncertain Significance. Advanced modeling of protein sequence and biophysical properties (such as structural, functional, and spatial information, amino acid conservation, physicochemical variation, residue mobility, and thermodynamic stability) performed at Invitae indicates that this missense variant is not expected to disrupt ALB protein function. ClinVar contains an entry for this variant (Variation ID: 2377475). This variant has not been reported in the literature in individuals affected with ALB-related conditions. This variant is present in population databases (rs149483745, gnomAD 0.2%). This sequence change replaces alanine, which is neutral and non-polar, with serine, which is neutral and polar, at codon 387 of the ALB protein (p.Ala387Ser).

Ambry Genetics
Classification: Uncertain significance for Inborn genetic diseases. Last evaluated: 2021-09-01. Review status: criteria provided, single submitter. Criteria: Ambry Variant Classification Scheme 2023. Collection method: clinical testing. Allele origin: germline.

NM_000477.7(ALB):c.1159G>T (p.Ala387Ser)

Gene: ALB (albumin; plus strand). Cytogenetic location: 4q13.3.
Variant type: single nucleotide variant.
Coding change: c.1159G>T on transcript NM_000477.7 (MANE Select); coding-DNA position 1159, G replaced by T.
Protein change: p.Ala387Ser; replaces alanine 387 with serine.
Molecular consequence: missense variant.
Genome position (GRCh38, 1-based): chr4:73,415,135, G>T. VCF-style: chr4-73415135-G-T. GRCh37 (hg19) VCF-style: chr4-74280852-G-T.
Other names: short protein forms A387S.
Identifiers: ClinVar variation 2377475 (VCV002377475.5), dbSNP rs149483745, ClinGen allele CA2959563.